The following is an entry in ClinVar:

ClinVar aggregate classification (germline): Uncertain significance (1 of 4 stars; one submission).

Allele frequency attached by ClinVar (database versions not stated): gnomAD exomes below 0.00001; TOPMed below 0.00001; gnomAD 0.00001.
gnomAD v4.1: 7 of 1,612,378 alleles (0.00043%); highest among the groups gnomAD compares: East Asian, 0.0022%; no homozygotes.

Submission:

Labcorp Genetics (formerly Invitae), Labcorp
Classification: Uncertain significance. Last evaluated: 2022-06-28. Review status: criteria provided, single submitter. Criteria: Invitae Variant Classification Sherloc (09022015). Collection method: clinical testing. Allele origin: germline.
Comment: In summary, the available evidence is currently insufficient to determine the role of this variant in disease. Therefore, it has been classified as a Variant of Uncertain Significance. Algorithms developed to predict the effect of missense changes on protein structure and function are either unavailable or do not agree on the potential impact of this missense change (SIFT: "Not Available"; PolyPhen-2: "Probably Damaging"; Align-GVGD: "Not Available"). This variant has not been reported in the literature in individuals affected with ATAD1-related conditions. This variant is not present in population databases (gnomAD no frequency). This sequence change replaces arginine, which is basic and polar, with tryptophan, which is neutral and slightly polar, at codon 329 of the ATAD1 protein (p.Arg329Trp).

NM_001321967.2(ATAD1):c.985C>T (p.Arg329Trp)

Gene: ATAD1 (ATPase family AAA domain containing 1; minus strand). Cytogenetic location: 10q23.31.
Variant type: single nucleotide variant.
Coding change: c.985C>T on transcript NM_001321967.2 (MANE Select); coding-DNA position 985, C replaced by T.
Protein change: p.Arg329Trp; replaces arginine 329 with tryptophan.
Molecular consequence: missense variant. On other transcripts: non-coding transcript variant (1).
Genome position (GRCh38, 1-based): chr10:87,754,788, G>A on the plus strand (C>T on the coding strand, the complement: ATAD1 is on the minus strand). VCF-style: chr10-87754788-G-A. GRCh37 (hg19) VCF-style: chr10-89514545-G-A.
Other names: c.895C>T, p.Arg299Trp (NM_001321968.2); c.628C>T, p.Arg210Trp (NM_001321969.2); c.985C>T, p.Arg329Trp (NM_032810.4); short protein forms R210W, R299W, R329W.
Identifiers: ClinVar variation 1910107 (VCV001910107.3), dbSNP rs1854146384, ClinGen allele CA377485928.